The following is an entry in ClinVar:

ClinVar aggregate classification (germline): Uncertain significance (1 of 4 stars; one submission).

Submission:

GeneDx
Classification: Uncertain significance. Last evaluated: 2025-06-06. Review status: criteria provided, single submitter. Criteria: GeneDx Variant Classification Process June 2021. Collection method: clinical testing. Allele origin: germline. Affected: yes.
Comment: Not observed at significant frequency in large population cohorts (gnomAD); In silico analysis suggests that this missense variant does not alter protein structure/function; Has not been previously published as pathogenic or benign to our knowledge

NM_001015877.2(PHF6):c.674G>A (p.Arg225Gln)

Gene: PHF6 (PHD finger protein 6; plus strand). Cytogenetic location: Xq26.2.
Variant type: single nucleotide variant.
Coding change: c.674G>A on transcript NM_001015877.2 (MANE Select); coding-DNA position 674, G replaced by A.
Protein change: p.Arg225Gln; replaces arginine 225 with glutamine.
Molecular consequence: missense variant.
Genome position (GRCh38, 1-based): chrX:134,413,911, G>A. VCF-style: chrX-134413911-G-A. GRCh37 (hg19) VCF-style: chrX-133547941-G-A.
Other names: c.677G>A, p.Arg226Gln (NM_032335.3); c.674G>A, p.Arg225Gln (NM_032458.3); short protein forms R225Q, R226Q.
Identifiers: ClinVar variation 4536249 (VCV004536249.1).